The following is an entry in ClinVar:

NM_000038.6(APC):c.458A>G (p.Lys153Arg)

Gene: APC (APC regulator of Wnt signaling pathway; plus strand). Cytogenetic location: 5q22.2.
Variant type: single nucleotide variant.
Coding change: c.458A>G on transcript NM_000038.6 (MANE Select); coding-DNA position 458, A replaced by G.
Protein change: p.Lys153Arg; replaces lysine 153 with arginine.
Molecular consequence: missense variant. On other transcripts: 5 prime UTR variant (1).
Genome position (GRCh38, 1-based): chr5:112,775,664, A>G. VCF-style: chr5-112775664-A-G. GRCh37 (hg19) VCF-style: chr5-112111361-A-G.
Other names: c.458A>G, p.Lys153Arg (NM_001127510.3, NM_001354895.2, NM_001354896.2 and 2 more transcripts); c.488A>G, p.Lys163Arg (NM_001127511.3, NM_001354897.2, NM_001354902.2); c.383A>G, p.Lys128Arg (NM_001354898.2, NM_001354904.2); c.281A>G, p.Lys94Arg (NM_001354900.2, NM_001354901.2, NM_001354905.2); c.-578A>G (NM_001354906.2); short protein forms K153R, K163R, K128R, K94R.
Identifiers: ClinVar variation 482239 (VCV000482239.25), dbSNP rs754553913, ClinGen allele CA039423.

ClinVar aggregate classification (germline): Uncertain significance. Review status: criteria provided, multiple submitters, no conflicts (2 of 4 stars). 5 submissions from 5 submitters: Uncertain significance (5). Last evaluated 2026-01-13.

Conditions:
Hereditary cancer-predisposing syndrome. Also called: Neoplastic Syndromes, Hereditary; Tumor predisposition; Hereditary Cancer Syndrome; Hereditary neoplastic syndrome. Identifiers: Orphanet 140162, MedGen C0027672, MeSH D009386, MONDO:0015356.
Classic or attenuated familial adenomatous polyposis. Identifiers: MedGen CN372698, MONDO:0021057.
Familial adenomatous polyposis 1 (FAP1). Also called: FAMILIAL ADENOMATOUS POLYPOSIS 1, ATTENUATED; POLYPOSIS, ADENOMATOUS INTESTINAL. Identifiers: MedGen C2713442, MONDO:0021056, OMIM 175100. Disease mechanism: loss of function.

Allele frequency attached by ClinVar (database versions not stated): gnomAD exomes below 0.00001; TOPMed below 0.00001; ExAC 0.00001.
gnomAD v4.1: 1 of 1,608,376 alleles (0.000062%); highest among the groups gnomAD compares: Non-Finnish European, 0.000085%; no homozygotes.

Submissions (5):

Labcorp Genetics (formerly Invitae), Labcorp
Classification: Uncertain significance for Familial adenomatous polyposis 1. Last evaluated: 2026-01-13. Review status: criteria provided, single submitter. Criteria: Invitae Variant Classification Sherloc (09022015). Collection method: clinical testing. Allele origin: germline.
Comment: This sequence change replaces lysine, which is basic and polar, with arginine, which is basic and polar, at codon 153 of the APC protein (p.Lys153Arg). The frequency data for this variant in the population databases is considered unreliable, as metrics indicate poor data quality at this position in the gnomAD database. This variant has not been reported in the literature in individuals affected with APC-related conditions. ClinVar contains an entry for this variant (Variation ID: 482239). Invitae Evidence Modeling of protein sequence and biophysical properties (such as structural, functional, and spatial information, amino acid conservation, physicochemical variation, residue mobility, and thermodynamic stability) indicates that this missense variant is not expected to disrupt APC protein function with a negative predictive value of 95%. In summary, the available evidence is currently insufficient to determine the role of this variant in disease. Therefore, it has been classified as a Variant of Uncertain Significance.

Ambry Genetics
Classification: Uncertain significance for Hereditary cancer-predisposing syndrome. Last evaluated: 2025-01-23. Review status: criteria provided, single submitter. Criteria: Ambry Variant Classification Scheme 2023. Collection method: clinical testing. Allele origin: germline.
Comment: The p.K153R variant (also known as c.458A>G), located in coding exon 4 of the APC gene, results from an A to G substitution at nucleotide position 458. The lysine at codon 153 is replaced by arginine, an amino acid with highly similar properties. This amino acid position is highly conserved in available vertebrate species. In addition, in silico predictors for this gene do not accurately predict pathogenicity. Missense alterations in APC are not a common cause of disease (Spier I et al. Genet Med. 2024 Feb;26(2):100992). Based on the available evidence, the clinical significance of this variant remains unclear.

All of Us Research Program, National Institutes of Health
Classification: Uncertain significance for Classic or attenuated familial adenomatous polyposis. Last evaluated: 2024-05-09. Review status: criteria provided, single submitter. Criteria: ACMG Guidelines, 2015. Collection method: clinical testing. Allele origin: germline. Inheritance: Autosomal dominant inheritance. Observed: 4 variant alleles, 4 heterozygotes.
Comment: This missense variant replaces lysine with arginine at codon 153 of the APC protein. Computational prediction suggests that this variant may not impact protein structure and function (internally defined REVEL score threshold <= 0.5, PMID: 27666373). Splice site prediction tools suggest that this variant may not impact RNA splicing. To our knowledge, functional studies have not been performed for this variant. This variant has not been reported in individuals affected with hereditary cancer in the literature. This variant has been identified in 1/247794 chromosomes in the general population by the Genome Aggregation Database (gnomAD). The available evidence is insufficient to determine the role of this variant in disease conclusively. Therefore, this variant is classified as a Variant of Uncertain Significance.

This study involves interpretation of variants in research participants for the purpose of population health screening. Participant phenotype was not available at the time of variant classification. Additional details can be found in publication PMID: 35346344, PMCID: PMC8962531

Baylor Genetics
Classification: Uncertain significance for Familial adenomatous polyposis 1. Last evaluated: 2024-03-21. Review status: criteria provided, single submitter. Criteria: ACMG Guidelines, 2015. Collection method: clinical testing. Allele origin: unknown.

Color Diagnostics, LLC DBA Color Health
Classification: Uncertain significance for Hereditary cancer-predisposing syndrome. Last evaluated: 2024-03-06. Review status: criteria provided, single submitter. Criteria: ACMG Guidelines, 2015. Collection method: clinical testing. Allele origin: germline.
Comment: This missense variant replaces lysine with arginine at codon 153 of the APC protein. Computational prediction suggests that this variant may not impact protein structure and function (internally defined REVEL score threshold <= 0.5, PMID: 27666373). To our knowledge, functional studies have not been reported for this variant. This variant has not been reported in individuals affected with APC-related disorders in the literature. This variant has been identified in 1/247794 chromosomes in the general population by the Genome Aggregation Database (gnomAD). The available evidence is insufficient to determine the role of this variant in disease conclusively. Therefore, this variant is classified as a Variant of Uncertain Significance.